The following is an entry in ClinVar:

ClinVar aggregate classification (germline): Benign. Review status: criteria provided, multiple submitters, no conflicts (2 of 4 stars). 3 submissions from 3 submitters: Benign (2). 1 of the submissions does not count toward it. Last evaluated 2026-01-05.

Conditions:
PLXNA2-related disorder. Also called: PLXNA2-related condition.

Allele frequency attached by ClinVar (database versions not stated): gnomAD exomes 0.00139 and 0.00350; ExAC 0.00449; 1000 Genomes Project 30x 0.01343; 1000 Genomes Project 0.01358; gnomAD 0.01401 and 0.01516; TOPMed 0.01640; ESP Exome Variant Server 0.01676.
gnomAD v4.1: 4,223 of 1,614,206 alleles (0.26%); highest among the groups gnomAD compares: African/African-American, 5%; 110 homozygotes.

Submissions (3):

Labcorp Genetics (formerly Invitae), Labcorp
Classification: Benign. Last evaluated: 2026-01-05. Review status: criteria provided, single submitter. Criteria: Invitae Variant Classification Sherloc (09022015). Collection method: clinical testing. Allele origin: germline.

Breakthrough Genomics
Classification: Benign. Review status: criteria provided, single submitter. Criteria: ACMG Guidelines, 2015. Collection method: not provided. Allele origin: germline. Inheritance: Unknown mechanism. Affected: yes.

PreventionGenetics, part of Exact Sciences
Classification: Benign for PLXNA2-related condition. Last evaluated: 2023-09-16. Review status: no assertion criteria provided. Collection method: clinical testing. Allele origin: germline. Not counted in ClinVar's aggregate classification.
Comment: This variant is classified as benign based on ACMG/AMP sequence variant interpretation guidelines (Richards et al. 2015 PMID: 25741868, with internal and published modifications).

NM_025179.4(PLXNA2):c.234C>T (p.Thr78=)

Gene: PLXNA2 (plexin A2; minus strand). Cytogenetic location: 1q32.2.
Variant type: single nucleotide variant.
Coding change: c.234C>T on transcript NM_025179.4 (MANE Select); coding-DNA position 234, C replaced by T.
Protein change: p.Thr78=; no amino-acid change (threonine 78 retained).
Molecular consequence: synonymous variant.
Genome position (GRCh38, 1-based): chr1:208,217,689, G>A on the plus strand (C>T on the coding strand, the complement: PLXNA2 is on the minus strand). VCF-style: chr1-208217689-G-A. GRCh37 (hg19) VCF-style: chr1-208391034-G-A.
Identifiers: ClinVar variation 780793 (VCV000780793.14), dbSNP rs73082013, ClinGen allele CA1374107.
Genomic context (GRCh38, chr1:208,217,689, plus strand): 5'-GAGGGGCGGGTAACAAGACTTGTTGTCCTCTTCTGGCCCTGTCTTATGAGCCACCTGGAT[G>A]GTCAGGTTGCCTGTCAGCTTATAGACCCGGTTGATGGCCCCCACATAGACGGCCCCCGTC-3'
Protein context (NP_079455.3, residues 68-88): NRVYKLTGNL[Thr78=]IQVAHKTGPE